The following is an entry in ClinVar:

ClinVar aggregate classification (germline): Uncertain significance (1 of 4 stars; one submission).

Allele frequency attached by ClinVar (database versions not stated): gnomAD exomes below 0.00001; TOPMed below 0.00001; gnomAD 0.00001.
gnomAD v4.1: 3 of 1,550,408 alleles (0.00019%); highest among the groups gnomAD compares: African/African-American, 0.0014%; no homozygotes.

Submission:

GeneDx
Classification: Uncertain significance. Last evaluated: 2022-03-04. Review status: criteria provided, single submitter. Criteria: GeneDx Variant Classification Process June 2021. Collection method: clinical testing. Allele origin: germline. Affected: yes.
Comment: Not observed at significant frequency in large population cohorts (gnomAD); In silico analysis supports that this missense variant has a deleterious effect on protein structure/function; Has not been previously published as pathogenic or benign to our knowledge

NM_001292063.2(OTOG):c.7433C>G (p.Ala2478Gly)

Gene: OTOG (otogelin; plus strand). Cytogenetic location: 11p15.1.
Variant type: single nucleotide variant.
Coding change: c.7433C>G on transcript NM_001292063.2 (MANE Select); coding-DNA position 7433, C replaced by G.
Protein change: p.Ala2478Gly; replaces alanine 2478 with glycine.
Molecular consequence: missense variant.
Genome position (GRCh38, 1-based): chr11:17,634,234, C>G. VCF-style: chr11-17634234-C-G. GRCh37 (hg19) VCF-style: chr11-17655781-C-G.
Other names: c.7469C>G, p.Ala2490Gly (NM_001277269.2); short protein forms A2478G, A2490G.
Identifiers: ClinVar variation 1704025 (VCV001704025.2), dbSNP rs1247752345, ClinGen allele CA379812263.
Genomic context (GRCh38, chr11:17,634,234, plus strand): 5'-CGGTGGATCTGGGCTGCCCCAGTCCCCGCCCTGAGAGCTGCCTGCGATTCGGGGAGGTGG[C>G]CTTGCTCCTACCCACCAAGGACCCCTGCTGCCTGGGGACTGTCTGTGGTGAGTGTCCACC-3'
Protein context (NP_001278992.1, residues 2468-2488): PESCLRFGEV[Ala2478Gly]LLLPTKDPCC